The following is an entry in ClinVar:

NM_004991.4(MECOM):c.140G>T (p.Cys47Phe)

Gene: MECOM (MDS1 and EVI1 complex locus; minus strand). Cytogenetic location: 3q26.2.
Variant type: single nucleotide variant.
Coding change: c.140G>T on transcript NM_004991.4 (MANE Select); coding-DNA position 140, G replaced by T.
Protein change: p.Cys47Phe; replaces cysteine 47 with phenylalanine.
Molecular consequence: missense variant. On other transcripts: intron variant (1).
Genome position (GRCh38, 1-based): chr3:169,381,422, C>A on the plus strand (G>T on the coding strand, the complement: MECOM is on the minus strand). VCF-style: chr3-169381422-C-A. GRCh37 (hg19) VCF-style: chr3-169099210-C-A.
Other names: c.140G>T, p.Cys47Phe (NM_001366466.2, NM_001366473.2); c.-189-237590G>T (NM_001205194.2); short protein forms C47F.
Identifiers: ClinVar variation 3346996 (VCV003346996.1).

ClinVar aggregate classification (germline): Uncertain significance (0 of 4 stars; one submission).

Conditions:
MECOM-related disorder. Also called: MECOM-related condition.

gnomAD v4.1: 1 of 1,613,740 alleles (0.000062%); highest among the groups gnomAD compares: African/African-American, 0.0013%; no homozygotes.

Submission:

PreventionGenetics, part of Exact Sciences
Classification: Uncertain significance for MECOM-related condition. Last evaluated: 2024-09-13. Review status: no assertion criteria provided. Collection method: clinical testing. Allele origin: germline.
Comment: The MECOM c.140G>T variant is predicted to result in the amino acid substitution p.Cys47Phe. To our knowledge, this variant has not been reported in the literature. This variant is reported in 0.0065% of alleles in individuals of African descent in gnomAD. At this time, the clinical significance of this variant is uncertain due to the absence of conclusive functional and genetic evidence.